The following is an entry in ClinVar:

ClinVar aggregate classification (germline): Conflicting classifications of pathogenicity. Review status: criteria provided, conflicting classifications (1 of 4 stars). 6 submissions from 6 submitters: Uncertain significance (3); Likely benign (2). 1 of the submissions does not count toward it. Last evaluated 2024-09-03.

Conditions:
Hereditary cancer-predisposing syndrome. Also called: Hereditary neoplastic syndrome; Hereditary Cancer Syndrome; Neoplastic Syndromes, Hereditary; Tumor predisposition. Identifiers: Orphanet 140162, MedGen C0027672, MeSH D009386, MONDO:0015356.
Breast-ovarian cancer, familial, susceptibility to, 2 (BROVCA2). Also called: BRCA2 Hereditary Breast and Ovarian Cancer. Identifiers: Orphanet 145, MedGen C2675520, MONDO:0012933, OMIM 612555. Disease mechanism: loss of function.
Hereditary breast ovarian cancer syndrome. Also called: Hereditary breast and ovarian cancer syndrome; BRCA1- and BRCA2-Associated Hereditary Breast and Ovarian Cancer; Hereditary breast and/or ovarian cancer syndrome; Hereditary breast and ovarian cancer; Breast and ovarian cancer; Hereditary breast and ovarian cancer syndrome (HBOC). Identifiers: Orphanet 145, MedGen C0677776, MeSH D061325, MONDO:0003582. Disease mechanism: loss of function.

Allele frequency attached by ClinVar (database versions not stated): ExAC 0.00002.

Submissions (6):

Ambry Genetics
Classification: Uncertain significance for Hereditary cancer-predisposing syndrome. Last evaluated: 2024-09-03. Review status: criteria provided, single submitter. Criteria: Ambry Variant Classification Scheme 2023. Collection method: clinical testing. Allele origin: germline.
Comment: The p.I1024N variant (also known as c.3071T>A), located in coding exon 10 of the BRCA2 gene, results from a T to A substitution at nucleotide position 3071. The isoleucine at codon 1024 is replaced by asparagine, an amino acid with dissimilar properties. This amino acid position is not well conserved in available vertebrate species. In addition, the in silico prediction for this alteration is inconclusive. Based on the available evidence, the clinical significance of this variant remains unclear.

All of Us Research Program, National Institutes of Health
Classification: Uncertain significance for Breast-ovarian cancer, familial, susceptibility to, 2. Last evaluated: 2024-01-11. Review status: criteria provided, single submitter. Criteria: ACMG Guidelines, 2015. Collection method: clinical testing. Allele origin: germline. Inheritance: Autosomal dominant inheritance. Observed: 1 variant allele, 1 heterozygote.
Comment: This study involves interpretation of variants in research participants for the purpose of population health screening. Participant phenotype was not available at the time of variant classification. Additional details can be found in publication PMID: 35346344, PMCID: PMC8962531

Labcorp Genetics (formerly Invitae), Labcorp
Classification: Likely benign for Hereditary breast ovarian cancer syndrome. Last evaluated: 2023-10-30. Review status: criteria provided, single submitter. Criteria: Invitae Variant Classification Sherloc (09022015). Collection method: clinical testing. Allele origin: germline.

University of Washington Department of Laboratory Medicine, University of Washington
Classification: Likely benign for Hereditary cancer-predisposing syndrome. Last evaluated: 2023-03-23. Review status: criteria provided, single submitter. Criteria: Dines et al. (Genet Med. 2020). Collection method: curation. Allele origin: germline.
Comment: Missense variant in a coldspot region where missense variants are very unlikely to be pathogenic (PMID:31911673).

BRCA2 exon 11 coldspot. Reclassification based on statistical prior probability.

GeneDx
Classification: Uncertain significance. Last evaluated: 2022-06-30. Review status: criteria provided, single submitter. Criteria: GeneDx Variant Classification Process June 2021. Collection method: clinical testing. Allele origin: germline. Affected: yes.
Comment: Not observed at significant frequency in large population cohorts (gnomAD); In silico analysis supports that this missense variant has a deleterious effect on protein structure/function; Has not been previously published as pathogenic or benign to our knowledge; Also known as 3299T>A; This variant is associated with the following publications: (PMID: 9002670, 22193408)

Department of Medical and Surgical Sciences, University of Bologna
Classification: Likely benign for Breast-ovarian cancer, familial, susceptibility to, 2. Last evaluated: 2023-09-01. Review status: no assertion criteria provided. Collection method: clinical testing. Allele origin: germline. Affected: yes. Not counted in ClinVar's aggregate classification.
Comment: BP1(Strong) according to ACMG/AMP classification guidelines specified for BRCA1 & BRCA2 (Classification Criteria V1.0.0 2023-09-08) (PMID: 38160042)

NM_000059.4(BRCA2):c.3071T>A (p.Ile1024Asn)

Gene: BRCA2 (BRCA2 DNA repair associated; plus strand). Cytogenetic location: 13q13.1.
Variant type: single nucleotide variant.
Coding change: c.3071T>A on transcript NM_000059.4 (MANE Select); coding-DNA position 3071, T replaced by A.
Protein change: p.Ile1024Asn; replaces isoleucine 1024 with asparagine.
Molecular consequence: missense variant.
Genome position (GRCh38, 1-based): chr13:32,337,426, T>A. VCF-style: chr13-32337426-T-A. GRCh37 (hg19) VCF-style: chr13-32911563-T-A.
Other names: short protein forms I1024N.
Identifiers: ClinVar variation 420747 (VCV000420747.18), dbSNP rs764921920, ClinGen allele CA6940661.
Genomic context (GRCh38, chr13:32,337,426, plus strand): 5'-GTTTTGGAGGTAGCTTCAGAACAGCTTCAAATAAGGAAATCAAGCTCTCTGAACATAACA[T>A]TAAGAAGAGCAAAATGTTCTTCAAAGATATTGAAGAACAATATCCTACTAGTTTAGCTTG-3'
Protein context (NP_000050.3, residues 1014-1034): NKEIKLSEHN[Ile1024Asn]KKSKMFFKDI